The following is an entry in ClinVar:

NM_032608.7(MYO18B):c.5374C>T (p.Arg1792Trp)

Gene: MYO18B (myosin XVIIIB; plus strand). Cytogenetic location: 22q12.1.
Variant type: single nucleotide variant.
Coding change: c.5374C>T on transcript NM_032608.7 (MANE Select); coding-DNA position 5374, C replaced by T.
Protein change: p.Arg1792Trp; replaces arginine 1792 with tryptophan.
Molecular consequence: missense variant.
Genome position (GRCh38, 1-based): chr22:25,921,266, C>T. VCF-style: chr22-25921266-C-T. GRCh37 (hg19) VCF-style: chr22-26317233-C-T.
Other names: c.5377C>T, p.Arg1793Trp (NM_001318245.2); c.5374C>T (NM_032608.5, NM_032608.6); short protein forms R1793W, R1792W.
Identifiers: ClinVar variation 2176330 (VCV002176330.3), dbSNP rs369862472, ClinGen allele CA322777892.

ClinVar aggregate classification (germline): Uncertain significance. Review status: criteria provided, multiple submitters, no conflicts (2 of 4 stars). 3 submissions from 3 submitters: Uncertain significance (3). Last evaluated 2026-04-06.

Conditions:
Inborn genetic diseases. Identifiers: MedGen C0950123, MeSH D030342.
MYO18B-related disorder. Also called: MYO18B-related condition.

Allele frequency attached by ClinVar (database versions not stated): gnomAD exomes 0.00001; gnomAD 0.00003; TOPMed 0.00003; ESP Exome Variant Server 0.00017.
gnomAD v4.1: 14 of 1,551,420 alleles (0.0009%); highest among the groups gnomAD compares: African/African-American, 0.0068%; no homozygotes.

Submissions (3):

PreventionGenetics, part of Exact Sciences
Classification: Uncertain significance for MYO18B-related condition. Last evaluated: 2026-04-06. Review status: criteria provided, single submitter. Criteria: ACMG Guidelines, 2015. Collection method: clinical testing. Allele origin: germline.
Comment: The MYO18B c.5374C>T variant is predicted to result in the amino acid substitution p.Arg1792Trp. To our knowledge, this variant has not been reported in the literature. This variant is reported in 0.0058% of alleles in individuals of African descent in gnomAD. At this time, the clinical significance of this variant is uncertain due to the absence of conclusive functional and genetic evidence.

Ambry Genetics
Classification: Uncertain significance for Inborn genetic diseases. Last evaluated: 2023-12-20. Review status: criteria provided, single submitter. Criteria: Ambry Variant Classification Scheme 2023. Collection method: clinical testing. Allele origin: germline.

Labcorp Genetics (formerly Invitae), Labcorp
Classification: Uncertain significance. Last evaluated: 2022-08-19. Review status: criteria provided, single submitter. Criteria: Invitae Variant Classification Sherloc (09022015). Collection method: clinical testing. Allele origin: germline.
Comment: This sequence change replaces arginine, which is basic and polar, with tryptophan, which is neutral and slightly polar, at codon 1792 of the MYO18B protein (p.Arg1792Trp). This variant is present in population databases (rs369862472, gnomAD 0.006%). This variant has not been reported in the literature in individuals affected with MYO18B-related conditions. Algorithms developed to predict the effect of missense changes on protein structure and function are either unavailable or do not agree on the potential impact of this missense change (SIFT: "Not Available"; PolyPhen-2: "Probably Damaging"; Align-GVGD: "Not Available"). In summary, the available evidence is currently insufficient to determine the role of this variant in disease. Therefore, it has been classified as a Variant of Uncertain Significance.